The following is an entry in ClinVar:

ClinVar aggregate classification (germline): Conflicting classifications of pathogenicity. Review status: criteria provided, conflicting classifications (1 of 4 stars). 2 submissions from 2 submitters: Uncertain significance (1); Likely benign (1). Last evaluated 2025-11-07.

Conditions:
Primary ciliary dyskinesia. Also called: Ciliary dyskinesia. Identifiers: Orphanet 244, MedGen C0008780, MONDO:0016575, HP:0012265.

Allele frequency attached by ClinVar (database versions not stated): ExAC 0.00002; TOPMed 0.00002; gnomAD 0.00003; 1000 Genomes Project 30x 0.00016; 1000 Genomes Project 0.00020.
gnomAD v4.1: 11 of 1,614,128 alleles (0.00068%); highest among the groups gnomAD compares: African/African-American, 0.011%; no homozygotes.

Submissions (2):

Ambry Genetics
Classification: Uncertain significance for Primary ciliary dyskinesia. Last evaluated: 2025-11-07. Review status: criteria provided, single submitter. Criteria: Ambry Variant Classification Scheme 2023. Collection method: clinical testing. Allele origin: germline.
Comment: The p.A3414S variant (also known as c.10240G>T), located in coding exon 60 of the DNAH5 gene, results from a G to T substitution at nucleotide position 10240. The alanine at codon 3414 is replaced by serine, an amino acid with similar properties. This amino acid position is conserved. In addition, this alteration is predicted to be tolerated by in silico analysis. Based on the available evidence, the clinical significance of this variant remains unclear.

Labcorp Genetics (formerly Invitae), Labcorp
Classification: Likely benign for Primary ciliary dyskinesia. Last evaluated: 2023-09-05. Review status: criteria provided, single submitter. Criteria: Invitae Variant Classification Sherloc (09022015). Collection method: clinical testing. Allele origin: germline.

NM_001369.3(DNAH5):c.10240G>T (p.Ala3414Ser)

Gene: DNAH5 (dynein axonemal heavy chain 5; minus strand). Cytogenetic location: 5p15.2.
Variant type: single nucleotide variant.
Coding change: c.10240G>T on transcript NM_001369.3 (MANE Select); coding-DNA position 10240, G replaced by T.
Protein change: p.Ala3414Ser; replaces alanine 3414 with serine.
Molecular consequence: missense variant.
Genome position (GRCh38, 1-based): chr5:13,762,763, C>A on the plus strand (G>T on the coding strand, the complement: DNAH5 is on the minus strand). VCF-style: chr5-13762763-C-A. GRCh37 (hg19) VCF-style: chr5-13762872-C-A.
Other names: c.10240G>T (NM_001369.2); short protein forms A3414S.
Identifiers: ClinVar variation 2202224 (VCV002202224.5), dbSNP rs138951581, ClinGen allele CA3202303.